The following is an entry in ClinVar:

NM_014639.4(SKIC3):c.1405dup (p.Glu469fs)

Gene: SKIC3 (SKI3 subunit of superkiller complex; minus strand). Cytogenetic location: 5q15.
Variant type: Duplication.
Coding change: c.1405dup on transcript NM_014639.4 (MANE Select); coding-DNA position 1405, one base duplicated (G; older notation c.1405dupG).
Protein change: p.Glu469fs; shifts the reading frame from glutamic acid 469.
Molecular consequence: frameshift variant.
Genome position (GRCh38, 1-based): chr5:95,524,512, C duplicated on the plus strand (G on the coding strand, the reverse complement: SKIC3 is on the minus strand). VCF-style (leftmost placement, unchanged base first): chr5-95524511-T-TC. GRCh37 (hg19) VCF-style: chr5-94860215-T-TC.
Other names: short protein forms E469fs.
Identifiers: ClinVar variation 4771050 (VCV004771050.1).

ClinVar aggregate classification (germline): Pathogenic (1 of 4 stars; one submission).

Submission:

Labcorp Genetics (formerly Invitae), Labcorp
Classification: Pathogenic. Last evaluated: 2026-01-27. Review status: criteria provided, single submitter. Criteria: Invitae Variant Classification Sherloc (09022015). Collection method: clinical testing. Allele origin: germline.
Comment: This sequence change creates a premature translational stop signal (p.Glu469Glyfs*7) in the TTC37 gene. It is expected to result in an absent or disrupted protein product. Loss-of-function variants in TTC37 are known to be pathogenic (PMID: 20176027, 21120949). This variant is present in population databases (rs777378964, gnomAD 0.003%). This variant has not been reported in the literature in individuals affected with TTC37-related conditions. For these reasons, this variant has been classified as Pathogenic.

Literature cited by the submitters: PubMed 20176027; PubMed 21120949.